The following is an entry in ClinVar:

NM_004369.4(COL6A3):c.8626C>G (p.Pro2876Ala)

Gene: COL6A3 (collagen type VI alpha 3 chain; minus strand). Cytogenetic location: 2q37.3.
Variant type: single nucleotide variant.
Coding change: c.8626C>G on transcript NM_004369.4 (MANE Select); coding-DNA position 8626, C replaced by G.
Protein change: p.Pro2876Ala; replaces proline 2876 with alanine.
Molecular consequence: missense variant.
Genome position (GRCh38, 1-based): chr2:237,336,474, G>C on the plus strand (C>G on the coding strand, the complement: COL6A3 is on the minus strand). VCF-style: chr2-237336474-G-C. GRCh37 (hg19) VCF-style: chr2-238245117-G-C.
Other names: c.6805C>G, p.Pro2269Ala (NM_057166.5); c.8008C>G, p.Pro2670Ala (NM_057167.4); short protein forms P2269A, P2670A, P2876A.
Identifiers: ClinVar variation 1801931 (VCV001801931.6), dbSNP rs139883752, ClinGen allele CA2187489.
Genomic context (GRCh38, chr2:237,336,474, plus strand): 5'-GCTTTGTTGTGGTGGTTACAGGCTTTGTTGTGGTGGTCACCGGCTTCGTCGTAGTCACCG[G>C]CTTCGTTGTCGTCACTGGGTTGGATGTAGGACTTGAAGTAACGTTATTCGGAACATTTCT-3'
Protein context (NP_004360.2, residues 2866-2886): PTSNPVTTTK[Pro2876Ala]VTTTKPVTTT

ClinVar aggregate classification (germline): Conflicting classifications of pathogenicity. Review status: criteria provided, conflicting classifications (1 of 4 stars). 2 submissions from 2 submitters: Uncertain significance (1); Likely benign (1). Last evaluated 2025-10-02.

Conditions:
Bethlem myopathy 1A. Also called: Bethlem myopathy 1; MYOPATHY, BENIGN CONGENITAL, WITH CONTRACTURES; Bethlem Muscular Dystrophy. Identifiers: Orphanet 610, MedGen CN029274, MONDO:0024530, OMIM 158810.

Allele frequency attached by ClinVar (database versions not stated): ExAC 0.00001; gnomAD 0.00002; ESP Exome Variant Server 0.00008.
gnomAD v4.1: 16 of 1,614,108 alleles (0.00099%); highest among the groups gnomAD compares: Non-Finnish European, 0.0014%; no homozygotes.

Submissions (2):

Labcorp Genetics (formerly Invitae), Labcorp
Classification: Likely benign for Bethlem myopathy 1A. Last evaluated: 2025-10-02. Review status: criteria provided, single submitter. Criteria: Invitae Variant Classification Sherloc (09022015). Collection method: clinical testing. Allele origin: germline.

GeneDx
Classification: Uncertain significance. Last evaluated: 2022-05-31. Review status: criteria provided, single submitter. Criteria: GeneDx Variant Classification Process June 2021. Collection method: clinical testing. Allele origin: germline. Affected: yes.
Comment: Not observed at significant frequency in large population cohorts (gnomAD); In silico analysis supports that this missense variant does not alter protein structure/function; Has not been previously published as pathogenic or benign to our knowledge